The following is an entry in ClinVar:

ClinVar aggregate classification (germline): Benign. Review status: criteria provided, multiple submitters, no conflicts (2 of 4 stars). 2 submissions from 2 submitters: Benign (2). Last evaluated 2018-06-14.

Conditions:
Maple syrup urine disease (MSUD). Identifiers: Orphanet 511, MedGen C0024776, MeSH D008375, MONDO:0009563. Disease mechanism: loss of function.

Allele frequency attached by ClinVar (database versions not stated): 1000 Genomes Project 0.71585; 1000 Genomes Project 30x 0.71861; gnomAD 0.77669 and 0.78168; TOPMed 0.77932; gnomAD exomes 0.78440.
gnomAD v4.1: 297,014 of 379,764 alleles (78%); highest among the groups gnomAD compares: Admixed American, 84%; 117,451 homozygotes.

Submissions (2):

GeneDx
Classification: Benign. Last evaluated: 2018-06-14. Review status: criteria provided, single submitter. Criteria: GeneDx Variant Classification Process June 2021. Collection method: clinical testing. Allele origin: germline. Affected: yes.

Illumina Laboratory Services, Illumina
Classification: Benign for Maple syrup urine disease type 1A. Last evaluated: 2018-01-13. Review status: criteria provided, single submitter. Criteria: ICSL Variant Classification Criteria 13 December 2019. Collection method: clinical testing. Allele origin: germline.
Comment: This variant was observed in the ICSL laboratory as part of a predisposition screen in an ostensibly healthy population. It had not been previously curated by ICSL or reported in the Human Gene Mutation Database (HGMD: prior to June 1st, 2018), and was therefore a candidate for classification through an automated scoring system. Utilizing variant allele frequency, disease prevalence and penetrance estimates, and inheritance mode, an automated score was calculated to assess if this variant is too frequent to cause the disease. Based on the score and internal cut-off values, a variant classified as benign is not then subjected to further curation. The score for this variant resulted in a classification of benign for this disease.

NM_183050.4(BCKDHB):c.*304G>A

Gene: BCKDHB (branched chain keto acid dehydrogenase E1 subunit beta; plus strand). Cytogenetic location: 6q14.1.
Variant type: single nucleotide variant.
Coding change: c.*304G>A on transcript NM_183050.4 (MANE Select); 304 bases downstream of the stop codon, G replaced by A.
Molecular consequence: 3 prime UTR variant. On other transcripts: non-coding transcript variant (1), intron variant (1).
Genome position (GRCh38, 1-based): chr6:80,344,108, G>A. VCF-style: chr6-80344108-G-A. GRCh37 (hg19) VCF-style: chr6-81053825-G-A.
Other names: c.*304G>A (NM_001318975.1); c.*8+296G>A (NM_000056.5).
Identifiers: ClinVar variation 358177 (VCV000358177.8), dbSNP rs926731, ClinGen allele CA10624828.